The following is an entry in ClinVar:

ClinVar aggregate classification (germline): Uncertain significance (1 of 4 stars; one submission).

Conditions:
Kabuki syndrome. Also called: NIIKAWA-KUROKI SYNDROME; Kabuki make-up syndrome. Identifiers: Orphanet 2322, MedGen C0796004, MONDO:0016512.

gnomAD v4.1: 2 of 1,611,946 alleles (0.00012%); highest among the groups gnomAD compares: Non-Finnish European, 0.000085%; no homozygotes.

Submission:

Labcorp Genetics (formerly Invitae), Labcorp
Classification: Uncertain significance for Kabuki syndrome. Last evaluated: 2023-04-07. Review status: criteria provided, single submitter. Criteria: Invitae Variant Classification Sherloc (09022015). Collection method: clinical testing. Allele origin: germline.
Comment: In summary, the available evidence is currently insufficient to determine the role of this variant in disease. Therefore, it has been classified as a Variant of Uncertain Significance. Advanced modeling of protein sequence and biophysical properties (such as structural, functional, and spatial information, amino acid conservation, physicochemical variation, residue mobility, and thermodynamic stability) performed at Invitae indicates that this missense variant is not expected to disrupt KMT2D protein function. This variant has not been reported in the literature in individuals affected with KMT2D-related conditions. This variant is not present in population databases (gnomAD no frequency). This sequence change replaces cysteine, which is neutral and slightly polar, with tryptophan, which is neutral and slightly polar, at codon 2042 of the KMT2D protein (p.Cys2042Trp).

NM_003482.4(KMT2D):c.6126C>G (p.Cys2042Trp)

Gene: KMT2D (lysine methyltransferase 2D; minus strand). Cytogenetic location: 12q13.12.
Variant type: single nucleotide variant.
Coding change: c.6126C>G on transcript NM_003482.4 (MANE Select); coding-DNA position 6126, C replaced by G.
Protein change: p.Cys2042Trp; replaces cysteine 2042 with tryptophan.
Molecular consequence: missense variant.
Genome position (GRCh38, 1-based): chr12:49,041,974, G>C on the plus strand (C>G on the coding strand, the complement: KMT2D is on the minus strand). VCF-style: chr12-49041974-G-C. GRCh37 (hg19) VCF-style: chr12-49435757-G-C.
Other names: short protein forms C2042W.
Identifiers: ClinVar variation 2853452 (VCV002853452.3), dbSNP rs556669370, ClinGen allele CA384626380.